The following is an entry in ClinVar:

NM_004415.4(DSP):c.5363A>G (p.Gln1788Arg)

Gene: DSP (desmoplakin; plus strand). Cytogenetic location: 6p24.3.
Variant type: single nucleotide variant.
Coding change: c.5363A>G on transcript NM_004415.4 (MANE Select); coding-DNA position 5363, A replaced by G.
Protein change: p.Gln1788Arg; replaces glutamine 1788 with arginine.
Molecular consequence: missense variant. On other transcripts: intron variant (2).
Genome position (GRCh38, 1-based): chr6:7,581,553, A>G. VCF-style: chr6-7581553-A-G. GRCh37 (hg19) VCF-style: chr6-7581786-A-G.
Other names: p.Q1788R:CAA>CGA; c.4051-1089A>G (NM_001319034.2); c.3583-1089A>G (NM_001008844.3); short protein forms Q1788R.
Identifiers: ClinVar variation 188469 (VCV000188469.31), dbSNP rs139673146, ClinGen allele CA004568.
Genomic context (GRCh38, chr6:7,581,553, plus strand): 5'-GGCTGATTAATGATTTACAGAGAGAGAGGGAAAATTTGAGACAGGAAATTGAGAAATTCC[A>G]AAAGCAGGCTTTAGAGGTATTCACAAATACTTGATCACAGCTTCACTGTTTCTCAAATTA-3'
Protein context (NP_004406.2, residues 1778-1798): ENLRQEIEKF[Gln1788Arg]KQALEASNRI

ClinVar aggregate classification (germline): Conflicting classifications of pathogenicity. Review status: criteria provided, conflicting classifications (1 of 4 stars). 11 submissions from 11 submitters: Uncertain significance (8); Likely benign (3). Last evaluated 2026-06-29.

Conditions:
DSP-related disorder. Also called: DSP-related condition; DSP-related disorders.
Arrhythmogenic cardiomyopathy with wooly hair and keratoderma. Also called: Carvajal syndrome; Dilated cardiomyopathy with woolly hair and keratoderma; PALMOPLANTAR KERATODERMA WITH LEFT VENTRICULAR CARDIOMYOPATHY AND WOOLLY HAIR; Arrhythmogenic cardiomyopathy with woolly hair and keratoderma. Identifiers: Orphanet 65282, MedGen C1854063, MONDO:0011581, OMIM 605676.
Lethal acantholytic epidermolysis bullosa (EBLA). Identifiers: Orphanet 158687, MedGen C1864826, MONDO:0012323, OMIM 609638.
Keratosis palmoplantaris striata 2. Also called: KERATODERMA, PALMOPLANTAR, STRIATE FORM II; STRIATE PALMOPLANTAR KERATODERMA II; Keratosis palmoplantaris striata II. Identifiers: MedGen C1852127, MONDO:0013034, OMIM 612908.
Arrhythmogenic right ventricular dysplasia 8 (ARVD8). Also called: Arrhythmogenic Right Ventricular Dysplasia/Cardiomyopathy 8; ARRHYTHMOGENIC RIGHT VENTRICULAR CARDIOMYOPATHY 8; ARRHYTHMOGENIC RIGHT VENTRICULAR DYSPLASIA, FAMILIAL, 8. Identifiers: MedGen C1843896, MONDO:0011831, OMIM 607450.
Cardiomyopathy, dilated, with wooly hair, keratoderma, and tooth agenesis. Also called: Erythrokeratodermia-cardiomyopathy syndrome; Cardiomyopathy, dilated, with woolly hair, keratoderma, and tooth agenesis. Identifiers: Orphanet 476096, Orphanet 65282, MedGen C4014393, MONDO:0014355, OMIM 615821.
Cardiovascular phenotype. Identifiers: MedGen CN230736.
Cardiomyopathy (CMYO). Also called: Cardiomyopathies. Identifiers: Orphanet 167848, MedGen C0878544, MONDO:0004994, HP:0001638. Inheritance: Various modes of inheritance.

Allele frequency attached by ClinVar (database versions not stated): ExAC 0.00006; gnomAD exomes 0.00006 and 0.00019; gnomAD 0.00007 and 0.00009; TOPMed 0.00010; ESP Exome Variant Server 0.00046.

Submissions (11):

PreventionGenetics, part of Exact Sciences
Classification: Uncertain significance for DSP-related condition. Last evaluated: 2026-06-29. Review status: criteria provided, single submitter. Criteria: ACMG Guidelines, 2015. Collection method: clinical testing. Allele origin: germline.
Comment: The DSP c.5363A>G variant is predicted to result in the amino acid substitution p.Gln1788Arg. This variant has been reported in individuals with hypertrophic cardiomyopathy (Table S1, Lopes et al. 2013. PubMed ID: 23396983; online supplementary file 2, van Lint et al. 2019. PubMed ID: 30847666). This variant is reported in 0.013% of alleles in individuals of European (Non-Finnish) descent in gnomAD. At this time, the clinical significance of this variant is uncertain due to the absence of conclusive functional and genetic evidence.

Women's Health and Genetics/Laboratory Corporation of America, LabCorp
Classification: Likely benign. Last evaluated: 2026-04-17. Review status: criteria provided, single submitter. Criteria: LabCorp Variant Classification Summary - May 2015. Collection method: clinical testing. Allele origin: germline.
Comment: Variant summary: DSP c.5363A>G (p.Gln1788Arg) results in a conservative amino acid change in the encoded protein sequence. Algorithms developed to predict the effect of missense changes on protein structure and function are either unavailable or do not agree on the potential impact of this missense change. The variant allele was found at a frequency of 6.4e-05 in 248388 control chromosomes, predominantly at a frequency of 0.00014 within the Non-Finnish European subpopulation in the gnomAD database. The observed variant frequency within Non-Finnish European control individuals in the gnomAD database exceeds the estimated maximal expected allele frequency for disease-causing variants in DSP. c.5363A>G has been observed in an individual(s) affected with Cardiomyopathy (e.g. Lopes_2013). This report does not provide unequivocal conclusions about association of the variant with Cardiomyopathy. To our knowledge, no experimental evidence demonstrating an impact on protein function has been reported. ClinVar contains an entry for this variant (Variation ID: 188469). Based on the evidence outlined above, the variant was classified as likely benign.

Labcorp Genetics (formerly Invitae), Labcorp
Classification: Likely benign for Arrhythmogenic cardiomyopathy with wooly hair and keratoderma; Arrhythmogenic right ventricular dysplasia 8. Last evaluated: 2025-11-12. Review status: criteria provided, single submitter. Criteria: Invitae Variant Classification Sherloc (09022015). Collection method: clinical testing. Allele origin: germline.

Color Diagnostics, LLC DBA Color Health
Classification: Likely benign for Cardiomyopathy. Last evaluated: 2025-03-03. Review status: criteria provided, single submitter. Criteria: ACMG Guidelines, 2015. Collection method: clinical testing. Allele origin: germline.

Blueprint Genetics
Classification: Uncertain significance. Last evaluated: 2024-10-29. Review status: criteria provided, single submitter. Criteria: ACMG Guidelines, 2015. Collection method: clinical testing. Allele origin: germline.

All of Us Research Program, National Institutes of Health
Classification: Uncertain significance for Arrhythmogenic cardiomyopathy with wooly hair and keratoderma. Last evaluated: 2024-09-27. Review status: criteria provided, single submitter. Criteria: ACMG Guidelines, 2015. Collection method: clinical testing. Allele origin: germline. Inheritance: Autosomal dominant inheritance. Observed: 39 variant alleles, 39 heterozygotes.
Comment: This missense variant replaces glutamine with arginine at codon 1788 of the DSP protein. Computational prediction suggests that this variant may not impact protein structure and function (internally defined REVEL score threshold <= 0.5, PMID: 27666373). To our knowledge, functional studies have not been reported for this variant. This variant has not been reported in individuals affected with cardiovascular disorders in the literature. This variant has been identified in 17/279788 chromosomes in the general population by the Genome Aggregation Database (gnomAD). The available evidence is insufficient to determine the role of this variant in disease conclusively. Therefore, this variant is classified as a Variant of Uncertain Significance.

This study involves interpretation of variants in research participants for the purpose of population health screening. Participant phenotype was not available at the time of variant classification. Additional details can be found in publication PMID: 35346344, PMCID: PMC8962531

Ambry Genetics
Classification: Uncertain significance for Cardiovascular phenotype. Last evaluated: 2024-09-04. Review status: criteria provided, single submitter. Criteria: Ambry Variant Classification Scheme 2023. Collection method: clinical testing. Allele origin: germline.

GeneDx
Classification: Uncertain significance. Last evaluated: 2024-06-13. Review status: criteria provided, single submitter. Criteria: GeneDx Variant Classification Process June 2021. Collection method: clinical testing. Allele origin: germline. Affected: yes.
Comment: Identified in patients with HCM in published literature (PMID: 23396983, 25351510, 30847666); In silico analysis indicates that this missense variant does not alter protein structure/function; This variant is associated with the following publications: (PMID: 25351510, 30847666, 23396983)

Fulgent Genetics
Classification: Uncertain significance for Arrhythmogenic cardiomyopathy with wooly hair and keratoderma; Arrhythmogenic right ventricular dysplasia 8; Lethal acantholytic epidermolysis bullosa; Keratosis palmoplantaris striata 2; Cardiomyopathy, dilated, with wooly hair, keratoderma, and tooth agenesis. Last evaluated: 2024-04-18. Review status: criteria provided, single submitter. Criteria: ACMG Guidelines, 2015. Collection method: clinical testing. Allele origin: germline.

Victorian Clinical Genetics Services, Murdoch Childrens Research Institute
Classification: Uncertain significance for Arrhythmogenic right ventricular dysplasia 8. Last evaluated: 2021-05-06. Review status: criteria provided, single submitter. Criteria: ACMG Guidelines, 2015. Collection method: clinical testing. Allele origin: germline. Affected: yes.
Comment: Based on the classification scheme VCGS_Germline_v1.3.4, this variant is classified as VUS-3B. Following criteria are met: 0102 - Loss of function is a known mechanism of disease in this gene and is associated with arrhythmogenic right ventricular dysplasia 8 (MIM#607450) and other DSP-related cardiac disorders (OMIM). (I) 0108 - This gene is associated with both recessive and dominant disease. Variants in this gene are usually inherited in a dominant manner, however rare reports of recessive inheritance have resulted in a more severe cardiac phenotype (OMIM). (I) 0115 - Variants in this gene are known to have variable expressivity. Age-dependent penetrance and variable expressivity are well-described aspects of arrhythmogenic cardiomyopathy (PMID: 29062697). (I) 0200 - Variant is predicted to result in a missense amino acid change from glutamine to arginine. (I) 0251 - This variant is heterozygous. (I) 0302 - Variant is present in gnomAD (v2) <0.001 for a dominant condition (17 heterozygotes, 0 homozygotes). (SP) 0502 - Missense variant with conflicting in silico predictions and uninformative conservation. (I) 0604 - Variant is not located in an established domain, motif, hotspot or informative constraint region. (I) 0705 - No comparable missense variants have previous evidence for pathogenicity. (I) 0809 - Previous evidence of pathogenicity for this variant is inconclusive. This variant has been reported multiple times as a VUS and once as likely benign (ClinVar, LOVD). It has also been observed in two unrelated individuals with hypertrophic cardiomyopathy, one of which was also heterozygous for a well established pathogenic variant in the MYH7 gene (PMID: 30847666, PMID: 23396983). (I) 0905 - No published segregation evidence has been identified for this variant. (I) 1007 - No published functional evidence has been identified for this variant. (I) 1208 - Inheritance information for this variant is not currently available in this individual. (I) Legend: (SP) - Supporting pathogenic, (I) - Information, (SB) - Supporting benign

Laboratory for Molecular Medicine, Mass General Brigham Personalized Medicine
Classification: Uncertain significance. Last evaluated: 2014-12-31. Review status: criteria provided, single submitter. Criteria: LMM Criteria. Collection method: clinical testing. Allele origin: germline. Observed: 1 variant allele.
Comment: The p.Gln1788Arg variant in DSP has not been previously reported in individuals with cardiomyopathy but has been identified in 7/65960 of European chromosomes b y the Exome Aggregation Consortium (ExAC; dbSNP rs139673146). Computational prediction tools and conservation analysis do not pr ovide strong support for or against an impact to the protein. In summary, the cl inical significance of the p.Gln1788Arg variant is uncertain.

Literature cited by the submitters: PubMed 23396983 (cited by Women's Health and Genetics/Laboratory Corporation of America, LabCorp and Victorian Clinical Genetics Services, Murdoch Childrens Research Institute); PubMed 29062697 (cited by Victorian Clinical Genetics Services, Murdoch Childrens Research Institute); PubMed 30847666 (cited by Victorian Clinical Genetics Services, Murdoch Childrens Research Institute).